The following is an entry in ClinVar:

ClinVar aggregate classification (germline): Uncertain significance. Review status: criteria provided, multiple submitters, no conflicts (2 of 4 stars). 2 submissions from 2 submitters: Uncertain significance (2). Last evaluated 2026-01-25.

Conditions:
Epidermolysis bullosa simplex 5C, with pyloric atresia (EBS5C). Also called: Epidermolysis bullosa simplex with pyloric atresia; PLEC-Related Epidermolysis Bullosa with Pyloric Atresia; PLEC1-Related Epidermolysis Bullosa with Pyloric Atresia. Identifiers: Orphanet 158684, MedGen C2677349, MONDO:0012807, OMIM 612138.
Epidermolysis bullosa simplex 5B, with muscular dystrophy (EBS5B). Also called: Epidermolysis bullosa simplex with muscular dystrophy; EPIDERMOLYSIS BULLOSA SIMPLEX AND LIMB-GIRDLE MUSCULAR DYSTROPHY. Identifiers: Orphanet 257, MedGen C2931072, MONDO:0009181, OMIM 226670.
Epidermolysis bullosa simplex, Ogna type (EBS5A). Also called: Pidermolysis bullosa simplex 5A, Ogna type; EPIDERMOLYSIS BULLOSA SIMPLEX 5A, OGNA TYPE. Identifiers: Orphanet 79401, MedGen C0432317, MONDO:0007555, OMIM 131950.
Epidermolysis bullosa simplex with nail dystrophy (EBS5D). Identifiers: MedGen C4225309, MONDO:0014661, OMIM 616487.
Autosomal recessive limb-girdle muscular dystrophy type 2Q (LGMDR17). Also called: MUSCULAR DYSTROPHY, LIMB-GIRDLE, AUTOSOMAL RECESSIVE 17. Identifiers: Orphanet 254361, MedGen C3150989, MONDO:0013390, OMIM 613723.
Inborn genetic diseases. Identifiers: MedGen C0950123, MeSH D030342.

Allele frequency attached by ClinVar (database versions not stated): ExAC 0.00001; gnomAD exomes 0.00001 and 0.00002; TOPMed 0.00002; gnomAD 0.00003.
gnomAD v4.1: 34 of 1,608,786 alleles (0.0021%); highest among the groups gnomAD compares: African/African-American, 0.0053%; no homozygotes.

Submissions (2):

Labcorp Genetics (formerly Invitae), Labcorp
Classification: Uncertain significance for Autosomal recessive limb-girdle muscular dystrophy type 2Q; Epidermolysis bullosa simplex, Ogna type; Epidermolysis bullosa simplex with nail dystrophy; Epidermolysis bullosa simplex 5C, with pyloric atresia; Epidermolysis bullosa simplex 5B, with muscular dystrophy. Last evaluated: 2026-01-25. Review status: criteria provided, single submitter. Criteria: Invitae Variant Classification Sherloc (09022015). Collection method: clinical testing. Allele origin: germline.
Comment: This sequence change replaces arginine, which is basic and polar, with glutamine, which is neutral and polar, at codon 2238 of the PLEC protein (p.Arg2238Gln). This variant is present in population databases (rs782310253, gnomAD 0.009%). This variant has not been reported in the literature in individuals affected with PLEC-related conditions. ClinVar contains an entry for this variant (Variation ID: 655482). An algorithm developed to predict the effect of missense changes on protein structure and function (PolyPhen-2) suggests that this variant is likely to be disruptive. In summary, the available evidence is currently insufficient to determine the role of this variant in disease. Therefore, it has been classified as a Variant of Uncertain Significance.

Ambry Genetics
Classification: Uncertain significance for Inborn genetic diseases. Last evaluated: 2023-05-05. Review status: criteria provided, single submitter. Criteria: Ambry Variant Classification Scheme 2023. Collection method: clinical testing. Allele origin: germline.

NM_201384.3(PLEC):c.6632G>A (p.Arg2211Gln)

Gene: PLEC (plectin; minus strand). Cytogenetic location: 8q24.3.
Variant type: single nucleotide variant.
Coding change: c.6632G>A on transcript NM_201384.3 (MANE Select); coding-DNA position 6632, G replaced by A.
Protein change: p.Arg2211Gln; replaces arginine 2211 with glutamine.
Molecular consequence: missense variant.
Genome position (GRCh38, 1-based): chr8:143,923,297, C>T on the plus strand (G>A on the coding strand, the complement: PLEC is on the minus strand). VCF-style: chr8-143923297-C-T. GRCh37 (hg19) VCF-style: chr8-144997465-C-T.
Other names: c.6713G>A (NM_000445.3); c.6713G>A, p.Arg2238Gln (NM_000445.5); c.6590G>A, p.Arg2197Gln (NM_201378.4); c.6566G>A, p.Arg2189Gln (NM_201379.3); c.7043G>A, p.Arg2348Gln (NM_201380.4); c.6536G>A, p.Arg2179Gln (NM_201381.3); c.6632G>A, p.Arg2211Gln (NM_201382.4); c.6644G>A, p.Arg2215Gln (NM_201383.3); short protein forms R2197Q, R2211Q, R2215Q, R2238Q, R2348Q, R2179Q, R2189Q.
Identifiers: ClinVar variation 655482 (VCV000655482.7), dbSNP rs782310253, ClinGen allele CA4925920.